The following is an entry in ClinVar:

NM_021076.4(NEFH):c.2171C>T (p.Ser724Phe)

Gene: NEFH (neurofilament heavy chain; plus strand). Cytogenetic location: 22q12.2.
Variant type: single nucleotide variant.
Coding change: c.2171C>T on transcript NM_021076.4 (MANE Select); coding-DNA position 2171, C replaced by T.
Protein change: p.Ser724Phe; replaces serine 724 with phenylalanine.
Molecular consequence: missense variant.
Genome position (GRCh38, 1-based): chr22:29,489,811, C>T. VCF-style: chr22-29489811-C-T. GRCh37 (hg19) VCF-style: chr22-29885800-C-T.
Other names: short protein forms S724F.
Identifiers: ClinVar variation 3364755 (VCV003364755.1).

ClinVar aggregate classification (germline): Uncertain significance (1 of 4 stars; one submission).

Submission:

GeneDx
Classification: Uncertain significance. Last evaluated: 2023-11-21. Review status: criteria provided, single submitter. Criteria: GeneDx Variant Classification Process June 2021. Collection method: clinical testing. Allele origin: germline. Affected: yes.
Comment: Not observed at significant frequency in large population cohorts (gnomAD); In silico analysis supports that this missense variant has a deleterious effect on protein structure/function; Has not been previously published as pathogenic or benign to our knowledge